The following is an entry in ClinVar:

ClinVar aggregate classification (germline): Uncertain significance. Review status: criteria provided, multiple submitters, no conflicts (2 of 4 stars). 2 submissions from 2 submitters: Uncertain significance (2). Last evaluated 2026-09-04.

Conditions:
VPS13A-related neurodegenerative disease. Also called: LEVINE-CRITCHLEY SYNDROME; Choreaacanthocytosis; VPS13A Disease; ACANTHOCYTOSIS WITH NEUROLOGIC DISORDER; Choreoacanthocytosis; Chorea-acanthocytosis. Identifiers: Orphanet 2388, MedGen C0393576, MONDO:0008695, OMIM 200150.

Submissions (2):

Myriad Genetics, Inc.
Classification: Uncertain significance for VPS13A-related neurodegenerative disease. Last evaluated: 2026-09-04. Review status: criteria provided, single submitter. Criteria: Myriad Autosomal Dominant, Autosomal Recessive and X-Linked Classification Criteria (2023). Collection method: clinical testing. Allele origin: unknown.
Comment: NM_033305.2(VPS13A):c.6771_6773delTAA(N2257del) is an in-frame deletion classified as a variant of uncertain significance in the context of VPS13A disease. N2257del has not been observed in cases with relevant disease. Relevant functional assessments of this variant are not available in the literature. N2257del has not been observed in referenced population frequency databases. In summary, there is insufficient evidence to classify NM_033305.2(VPS13A):c.6771_6773delTAA(N2257del) as pathogenic or benign. Please note: this variant was assessed in the context of healthy population screening.

Labcorp Genetics (formerly Invitae), Labcorp
Classification: Uncertain significance. Last evaluated: 2022-06-14. Review status: criteria provided, single submitter. Criteria: Invitae Variant Classification Sherloc (09022015). Collection method: clinical testing. Allele origin: germline.
Comment: Experimental studies and prediction algorithms are not available or were not evaluated, and the functional significance of this variant is currently unknown. This variant has not been reported in the literature in individuals affected with VPS13A-related conditions. This variant is not present in population databases (gnomAD no frequency). This variant, c.6771_6773del, results in the deletion of 1 amino acid(s) of the VPS13A protein (p.Asn2257del), but otherwise preserves the integrity of the reading frame. In summary, the available evidence is currently insufficient to determine the role of this variant in disease. Therefore, it has been classified as a Variant of Uncertain Significance.

NM_033305.3(VPS13A):c.6771_6773del (p.Asn2257del)

Gene: VPS13A (vacuolar protein sorting 13 homolog A; plus strand). Cytogenetic location: 9q21.2.
Variant type: Deletion.
Coding change: c.6771_6773del on transcript NM_033305.3 (MANE Select); coding-DNA positions 6771 to 6773, 3 bases deleted (TAA; older notation c.6771_6773delTAA).
Protein change: p.Asn2257del; deletes asparagine 2257.
Molecular consequence: inframe deletion.
Genome position (GRCh38, 1-based): chr9:77,339,908-77,339,910, TAA deleted; deleting any 3 consecutive bases within chr9:77,339,906-77,339,910 gives the same sequence; the c. name uses the placement nearest the transcript's 3' end. VCF-style (leftmost placement, unchanged base first): chr9-77339905-CAAT-C. GRCh37 (hg19) VCF-style: chr9-79954821-CAAT-C.
Other names: c.6654_6656del, p.Asn2218del (NM_001018037.2); c.6771_6773del, p.Asn2257del (NM_001018038.3, NM_015186.4); short protein forms N2218del, N2257del.
Identifiers: ClinVar variation 2006597 (VCV002006597.5), dbSNP rs2538077072, ClinGen allele CA2580080600.